The following is an entry in ClinVar:

NM_000322.5(PRPH2):c.1014C>T (p.Asp338=)

Gene: PRPH2 (peripherin 2; minus strand). Cytogenetic location: 6p21.1.
Variant type: single nucleotide variant.
Coding change: c.1014C>T on transcript NM_000322.5 (MANE Select); coding-DNA position 1014, C replaced by T.
Protein change: p.Asp338=; no amino-acid change (aspartic acid 338 retained).
Molecular consequence: synonymous variant.
Genome position (GRCh38, 1-based): chr6:42,698,322, G>A on the plus strand (C>T on the coding strand, the complement: PRPH2 is on the minus strand). VCF-style: chr6-42698322-G-A. GRCh37 (hg19) VCF-style: chr6-42666060-G-A.
Identifiers: ClinVar variation 2153092 (VCV002153092.18), dbSNP rs202109541, ClinGen allele CA3808459.

ClinVar aggregate classification (germline): Likely benign. Review status: criteria provided, multiple submitters, no conflicts (2 of 4 stars). 3 submissions from 3 submitters: Likely benign (3). Last evaluated 2025-02-01.

Conditions:
PRPH2-related disorder. Also called: PRPH2-related condition; PRPH2-related disorders. Identifiers: MedGen CN239395.

Allele frequency attached by ClinVar (database versions not stated): ESP Exome Variant Server 0.00008; TOPMed 0.00009.

Submissions (3):

CeGaT Center for Human Genetics Tuebingen
Classification: Likely benign. Last evaluated: 2025-02-01. Review status: criteria provided, single submitter. Criteria: CeGaT Center For Human Genetics Tuebingen Variant Classification Criteria Version 2. Collection method: clinical testing. Allele origin: germline. Affected: yes. Observed: 1 variant allele.
Comment: PRPH2: BP4, BP7

Blueprint Genetics
Classification: Likely benign. Last evaluated: 2024-04-24. Review status: criteria provided, single submitter. Criteria: ACMG Guidelines, 2015. Collection method: clinical testing. Allele origin: germline.

Labcorp Genetics (formerly Invitae), Labcorp
Classification: Likely benign for PRPH2-related disorder. Last evaluated: 2022-09-28. Review status: criteria provided, single submitter. Criteria: Invitae Variant Classification Sherloc (09022015). Collection method: clinical testing. Allele origin: germline.